The following is an entry in ClinVar:

NM_033305.3(VPS13A):c.9119G>A (p.Arg3040Gln)

Gene: VPS13A (vacuolar protein sorting 13 homolog A; plus strand). Cytogenetic location: 9q21.2.
Variant type: single nucleotide variant.
Coding change: c.9119G>A on transcript NM_033305.3 (MANE Select); coding-DNA position 9119, G replaced by A.
Protein change: p.Arg3040Gln; replaces arginine 3040 with glutamine.
Molecular consequence: missense variant.
Genome position (GRCh38, 1-based): chr9:77,382,017, G>A. VCF-style: chr9-77382017-G-A. GRCh37 (hg19) VCF-style: chr9-79996933-G-A.
Other names: p.Arg3040Gln; c.9002G>A, p.Arg3001Gln (NM_001018037.2); c.9119G>A, p.Arg3040Gln (NM_001018038.3, NM_015186.4); short protein forms R3040Q, R3001Q.
Identifiers: ClinVar variation 698636 (VCV000698636.21), dbSNP rs148458576, ClinGen allele CA5093876.

ClinVar aggregate classification (germline): Conflicting classifications of pathogenicity. Review status: criteria provided, conflicting classifications (1 of 4 stars). 8 submissions from 8 submitters: Uncertain significance (4); Likely benign (2). 2 of the submissions do not count toward it. Last evaluated 2026-01-24.

Conditions:
VPS13A-related disorder. Also called: VPS13A-related condition.
Inborn genetic diseases. Identifiers: MedGen C0950123, MeSH D030342.
VPS13A-related neurodegenerative disease. Also called: LEVINE-CRITCHLEY SYNDROME; VPS13A Disease; ACANTHOCYTOSIS WITH NEUROLOGIC DISORDER; Choreoacanthocytosis; Chorea-acanthocytosis; Choreaacanthocytosis. Identifiers: Orphanet 2388, MedGen C0393576, MONDO:0008695, OMIM 200150.

Allele frequency attached by ClinVar (database versions not stated): gnomAD 0.00006; TOPMed 0.00013; ESP Exome Variant Server 0.00023.
gnomAD v4.1: 219 of 1,608,024 alleles (0.014%); highest among the groups gnomAD compares: Admixed American, 0.005%; 1 homozygote.

Submissions (8):

Labcorp Genetics (formerly Invitae), Labcorp
Classification: Likely benign. Last evaluated: 2026-01-24. Review status: criteria provided, single submitter. Criteria: Invitae Variant Classification Sherloc (09022015). Collection method: clinical testing. Allele origin: germline.

GeneDx
Classification: Uncertain significance. Last evaluated: 2025-10-01. Review status: criteria provided, single submitter. Criteria: GeneDx Variant Classification Process June 2021. Collection method: clinical testing. Allele origin: germline. Affected: yes.
Comment: In silico analysis supports that this missense variant has a deleterious effect on protein structure/function; Has not been previously published as pathogenic or benign to our knowledge

Mayo Clinic Laboratories, Mayo Clinic
Classification: Uncertain significance. Last evaluated: 2025-04-21. Review status: criteria provided, single submitter. Criteria: ACMG Guidelines, 2015. Collection method: clinical testing. Allele origin: germline. Observed: 1 variant allele.
Comment: BS1

Women's Health and Genetics/Laboratory Corporation of America, LabCorp
Classification: Uncertain significance. Last evaluated: 2023-10-26. Review status: criteria provided, single submitter. Criteria: LabCorp Variant Classification Summary - May 2015. Collection method: clinical testing. Allele origin: germline.
Comment: Variant summary: VPS13A c.9119G>A (p.Arg3040Gln) results in a conservative amino acid change in the encoded protein sequence. Three of five in-silico tools predict a damaging effect of the variant on protein function. The variant allele was found at a frequency of 0.00026 in 250056 control chromosomes (gnomAD). This frequency is not significantly higher than estimated for a pathogenic variant in VPS13A causing Choreoacanthocytosis (0.00026 vs 0.0011), allowing no conclusion about variant significance. To our knowledge, no occurrence of c.9119G>A in individuals affected with Choreoacanthocytosis and no experimental evidence demonstrating its impact on protein function have been reported. Four submitters have cited clinical-significance assessments for this variant to ClinVar after 2014, and classified it as uncertain significance (n=2) or likely benign (n=2). Based on the evidence outlined above, the variant was classified as uncertain significance.

Blueprint Genetics
Classification: Likely benign. Last evaluated: 2023-09-14. Review status: criteria provided, single submitter. Criteria: ACMG Guidelines, 2015. Collection method: clinical testing. Allele origin: germline.

Ambry Genetics
Classification: Uncertain significance for Inborn genetic diseases. Last evaluated: 2022-03-29. Review status: criteria provided, single submitter. Criteria: Ambry Variant Classification Scheme 2023. Collection method: clinical testing. Allele origin: germline.

Natera, Inc.
Classification: Likely benign for Choreaacanthocytosis. Last evaluated: 2020-08-14. Review status: no assertion criteria provided. Collection method: clinical testing. Allele origin: germline. Not counted in ClinVar's aggregate classification.

PreventionGenetics, part of Exact Sciences
Classification: Likely benign for VPS13A-related condition. Last evaluated: 2019-07-30. Review status: no assertion criteria provided. Collection method: clinical testing. Allele origin: germline. Not counted in ClinVar's aggregate classification.
Comment: This variant is classified as likely benign based on ACMG/AMP sequence variant interpretation guidelines (Richards et al. 2015 PMID: 25741868, with internal and published modifications).